The following is an entry in ClinVar:

ClinVar aggregate classification (germline): Uncertain significance. Review status: criteria provided, multiple submitters, no conflicts (2 of 4 stars). 2 submissions from 2 submitters: Uncertain significance (2). Last evaluated 2024-09-23.

Conditions:
Charcot-Marie-Tooth disease, type I (CMT1). Also called: Charcot-Marie-Tooth, Type 1; Charcot-Marie-Tooth disease type 1. Identifiers: Orphanet 65753, MedGen C0751036, MONDO:0019011.

Allele frequency attached by ClinVar (database versions not stated): gnomAD exomes below 0.00001; TOPMed below 0.00001; ExAC 0.00001.
gnomAD v4.1: 4 of 1,614,108 alleles (0.00025%); highest among the groups gnomAD compares: Admixed American, 0.0017%; no homozygotes.

Submissions (2):

Labcorp Genetics (formerly Invitae), Labcorp
Classification: Uncertain significance for Charcot-Marie-Tooth disease, type I. Last evaluated: 2024-09-23. Review status: criteria provided, single submitter. Criteria: Invitae Variant Classification Sherloc (09022015). Collection method: clinical testing. Allele origin: germline.
Comment: This sequence change replaces arginine, which is basic and polar, with lysine, which is basic and polar, at codon 69 of the EGR2 protein (p.Arg69Lys). This variant is present in population databases (rs776869045, gnomAD 0.0009%). This variant has not been reported in the literature in individuals affected with EGR2-related conditions. ClinVar contains an entry for this variant (Variation ID: 1038281). Invitae Evidence Modeling of protein sequence and biophysical properties (such as structural, functional, and spatial information, amino acid conservation, physicochemical variation, residue mobility, and thermodynamic stability) indicates that this missense variant is not expected to disrupt EGR2 protein function with a negative predictive value of 80%. In summary, the available evidence is currently insufficient to determine the role of this variant in disease. Therefore, it has been classified as a Variant of Uncertain Significance.

Athena Diagnostics
Classification: Uncertain significance. Last evaluated: 2023-07-07. Review status: criteria provided, single submitter. Criteria: Athena Diagnostics Criteria. Collection method: clinical testing. Allele origin: unknown.
Comment: Available data are insufficient to determine the clinical significance of the variant at this time. The frequency of this variant in the general population is uninformative in assessment of its pathogenicity. Computational tools predict that this variant is not damaging.

NM_000399.5(EGR2):c.206G>A (p.Arg69Lys)

Gene: EGR2 (early growth response 2; minus strand). Cytogenetic location: 10q21.3.
Variant type: single nucleotide variant.
Coding change: c.206G>A on transcript NM_000399.5 (MANE Select); coding-DNA position 206, G replaced by A.
Protein change: p.Arg69Lys; replaces arginine 69 with lysine.
Molecular consequence: missense variant.
Genome position (GRCh38, 1-based): chr10:62,814,432, C>T on the plus strand (G>A on the coding strand, the complement: EGR2 is on the minus strand). VCF-style: chr10-62814432-C-T. GRCh37 (hg19) VCF-style: chr10-64574192-C-T.
Other names: c.206G>A, p.Arg69Lys (NM_001136177.3, NM_001136178.2); c.56G>A, p.Arg19Lys (NM_001136179.3, NM_001321037.2); c.206G>A (NM_000399.4); short protein forms R19K, R69K.
Identifiers: ClinVar variation 1038281 (VCV001038281.8), dbSNP rs776869045, ClinGen allele CA5517306.